The following is an entry in ClinVar:

ClinVar aggregate classification (germline): Uncertain significance (1 of 4 stars; one submission).

Submission:

Women's Health and Genetics/Laboratory Corporation of America, LabCorp
Classification: Uncertain significance. Last evaluated: 2026-04-17. Review status: criteria provided, single submitter. Criteria: LabCorp Variant Classification Summary - May 2015. Collection method: clinical testing. Allele origin: germline.
Comment: Variant summary: RAI1 c.3764G>A (p.Gly1255Glu) results in a non-conservative amino acid change in the encoded protein sequence. Algorithms developed to predict the effect of missense changes on protein structure and function are either unavailable or do not agree on the potential impact of this missense change. The variant was absent in 250566 control chromosomes. The available data on variant occurrences in the general population are insufficient to allow any conclusion about variant significance. To our knowledge, no occurrence of c.3764G>A in individuals affected with RAI1-related conditions and no experimental evidence demonstrating its impact on protein function have been reported. No submitters have cited clinical-significance assessments for this variant to ClinVar. Based on the evidence outlined above, the variant was classified as uncertain significance.

NM_030665.4(RAI1):c.3764G>A (p.Gly1255Glu)

Gene: RAI1 (retinoic acid induced 1; plus strand). Cytogenetic location: 17p11.2.
Variant type: single nucleotide variant.
Coding change: c.3764G>A on transcript NM_030665.4 (MANE Select); coding-DNA position 3764, G replaced by A.
Protein change: p.Gly1255Glu; replaces glycine 1255 with glutamic acid.
Molecular consequence: missense variant.
Genome position (GRCh38, 1-based): chr17:17,796,712, G>A. VCF-style: chr17-17796712-G-A. GRCh37 (hg19) VCF-style: chr17-17700026-G-A.
Other names: short protein forms G1255E.
Identifiers: ClinVar variation 4848437 (VCV004848437.1).